The following is an entry in ClinVar:

NM_012186.3(FOXE3):c.457G>C (p.Asp153His)

Genes: FOXE3 (forkhead box E3; plus strand), LINC01389 (long independently transcribed non-coding RNA 1389; minus strand). Cytogenetic location: 1p33.
Variant type: single nucleotide variant.
Coding change: c.457G>C on transcript NM_012186.3 (MANE Select); coding-DNA position 457, G replaced by C.
Protein change: p.Asp153His; replaces aspartic acid 153 with histidine.
Molecular consequence: missense variant.
Genome position (GRCh38, 1-based): chr1:47,416,772, G>C. VCF-style: chr1-47416772-G-C. GRCh37 (hg19) VCF-style: chr1-47882444-G-C.
Other names: short protein forms D153H.
Identifiers: ClinVar variation 375651 (VCV000375651.11), dbSNP rs367943249, ClinGen allele CA16044411.
Genomic context (GRCh38, chr1:47,416,772, plus strand): 5'-CCCCGCGAGCCGGGCAACCCGGGCAAGGGCAACTACTGGACGCTGGACCCCGCGGCCGCA[G>C]ACATGTTCGACAACGGCAGCTTCCTGCGGCGCCGCAAGCGCTTCAAGCGCGCCGAGCTGC-3'
Protein context (NP_036318.1, residues 143-163): NYWTLDPAAA[Asp153His]MFDNGSFLRR

ClinVar aggregate classification (germline): Conflicting classifications of pathogenicity. Review status: criteria provided, conflicting classifications (1 of 4 stars). 4 submissions from 4 submitters: Pathogenic (1); Uncertain significance (1). 2 of the submissions do not count toward it. Last evaluated 2026-01-28.

Conditions:
Congenital aneurysm of ascending aorta (AAT1). Also called: ANNULOAORTIC ECTASIA; Aortic aneurysm, thoracic; Familial thoracic aortic aneurysm; AORTIC ANEURYSM, FAMILIAL THORACIC 1. Identifiers: Orphanet 229, MedGen C0345050, MONDO:0024559, OMIM 607086.
Acute aortic dissection. Identifiers: MedGen C0241868.
Aortic aneurysm, familial thoracic 11, susceptibility to (AAT11). Identifiers: MedGen C4479235, MONDO:0044301, OMIM 617349.
Congenital primary aphakia. Also called: ANTERIOR SEGMENT DYSGENESIS 2; Anterior segment dysgenesis 2, multiple subtypes. Identifiers: Orphanet 83461, MedGen C1853230, MONDO:0012456, OMIM 610256.
Anterior segment dysgenesis. Also called: Ocular anterior segment dysgenesis. Identifiers: Orphanet 88632, MedGen C1862839, MONDO:0019503, HP:0007700.
Cardiovascular phenotype. Identifiers: MedGen CN230736.

Allele frequency attached by ClinVar (database versions not stated): TOPMed 0.00003; gnomAD 0.00005 and 0.00006; ESP Exome Variant Server 0.00008.

Submissions (4):

Labcorp Genetics (formerly Invitae), Labcorp
Classification: Pathogenic for Anterior segment dysgenesis; Congenital primary aphakia. Last evaluated: 2026-01-28. Review status: criteria provided, single submitter. Criteria: Invitae Variant Classification Sherloc (09022015). Collection method: clinical testing. Allele origin: germline.
Comment: This sequence change replaces aspartic acid, which is acidic and polar, with histidine, which is basic and polar, at codon 153 of the FOXE3 protein (p.Asp153His). This variant is present in population databases (rs367943249, gnomAD 0.007%). This missense change has been observed in individual(s) with autosomal dominant thoracic aortic dissections (PMID: 26854927). It has also been observed to segregate with disease in related individuals. ClinVar contains an entry for this variant (Variation ID: 375651). Invitae Evidence Modeling of protein sequence and biophysical properties (such as structural, functional, and spatial information, amino acid conservation, physicochemical variation, residue mobility, and thermodynamic stability) has been performed for this missense variant. However, the output from this modeling did not meet the statistical confidence thresholds required to predict the impact of this variant on FOXE3 protein function. For these reasons, this variant has been classified as Pathogenic.

Ambry Genetics
Classification: Uncertain significance for Cardiovascular phenotype. Last evaluated: 2025-08-19. Review status: criteria provided, single submitter. Criteria: Ambry Variant Classification Scheme 2023. Collection method: clinical testing. Allele origin: germline.
Comment: The p.D153H variant (also known as c.457G>C), located in coding exon 1 of the FOXE3 gene, results from a G to C substitution at nucleotide position 457. The aspartic acid at codon 153 is replaced by histidine, an amino acid with similar properties. This alteration has been shown to segregate with disease in a family with thoracic aortic aneurysm and dissection (TAAD) (Kuang SQ et al. J Clin Invest, 2016 Mar;126:948-61). This amino acid position is highly conserved in available vertebrate species. In addition, the in silico prediction for this alteration is inconclusive. Since supporting evidence is limited at this time, the clinical significance of this alteration remains unclear.

OMIM
Classification: risk factor for AORTIC ANEURYSM, FAMILIAL THORACIC 11, SUSCEPTIBILITY TO. Last evaluated: 2018-01-06. Review status: no assertion criteria provided. Collection method: literature only. Allele origin: germline. Not counted in ClinVar's aggregate classification.

University of Washington Center for Mendelian Genomics, University of Washington
Classification: Likely pathogenic for Familial thoracic aortic aneurysms; Acute aortic dissections. Last evaluated: 2016-02-08. Review status: no assertion criteria provided. Collection method: research. Allele origin: germline. Inheritance: Autosomal dominant inheritance. Affected: yes. Not counted in ClinVar's aggregate classification.

Literature cited by the submitters: PubMed 26854927 (cited by 3 submitters); PMC 4767350 (cited by University of Washington Center for Mendelian Genomics, University of Washington).